The following is an entry in ClinVar:

ClinVar aggregate classification (germline): Pathogenic (1 of 4 stars; one submission).

Conditions:
Tuberous sclerosis 2 (TSC2). Identifiers: Orphanet 805, MedGen C1860707, MONDO:0013199, OMIM 613254.

Submission:

Labcorp Genetics (formerly Invitae), Labcorp
Classification: Pathogenic for Tuberous sclerosis 2. Last evaluated: 2021-03-24. Review status: criteria provided, single submitter. Criteria: Invitae Variant Classification Sherloc (09022015). Collection method: clinical testing. Allele origin: germline.
Comment: This sequence change creates a premature translational stop signal (p.Pro816Alafs*2) in the TSC2 gene. It is expected to result in an absent or disrupted protein product. Loss-of-function variants in TSC2 are known to be pathogenic (PMID: 10205261, 17304050). This variant is not present in population databases (ExAC no frequency). This variant has not been reported in the literature in individuals with TSC2-related conditions. For these reasons, this variant has been classified as Pathogenic.

Literature cited by the submitters: PubMed 10205261; PubMed 17304050.

NM_000548.5(TSC2):c.2445dup (p.Pro816fs)

Gene: TSC2 (TSC complex subunit 2; plus strand). Cytogenetic location: 16p13.3.
Variant type: Duplication.
Coding change: c.2445dup on transcript NM_000548.5 (MANE Select); coding-DNA position 2445, one base duplicated (G; older notation c.2445dupG).
Protein change: p.Pro816fs; shifts the reading frame from proline 816.
Molecular consequence: frameshift variant.
Genome position (GRCh38, 1-based): chr16:2,074,289, G duplicated. VCF-style (leftmost placement, unchanged base first): chr16-2074288-T-TG. GRCh37 (hg19) VCF-style: chr16-2124289-T-TG.
Other names: c.2445dup, p.Pro816fs (NM_001077183.3, NM_001114382.3, NM_001363528.2 and 3 more transcripts); c.2334dup, p.Pro779fs (NM_001318827.2); c.2298dup, p.Pro767fs (NM_001318829.2); c.1845dup, p.Pro616fs (NM_001318831.2); c.2478dup, p.Pro827fs (NM_001318832.2); short protein forms P779fs, P816fs, P767fs, P616fs, P827fs.
Identifiers: ClinVar variation 1377776 (VCV001377776.6), dbSNP rs2151351558, ClinGen allele CA2573151644.